The following is an entry in ClinVar:

NM_001370259.2(MEN1):c.646G>C (p.Ala216Pro)

Gene: MEN1 (menin 1; minus strand). Cytogenetic location: 11q13.1.
Variant type: single nucleotide variant.
Coding change: c.646G>C on transcript NM_001370259.2 (MANE Select); coding-DNA position 646, G replaced by C.
Protein change: p.Ala216Pro; replaces alanine 216 with proline.
Molecular consequence: missense variant. On other transcripts: intron variant (2).
Genome position (GRCh38, 1-based): chr11:64,807,899, C>G on the plus strand (G>C on the coding strand, the complement: MEN1 is on the minus strand). VCF-style: chr11-64807899-C-G. GRCh37 (hg19) VCF-style: chr11-64575371-C-G.
Other names: c.661G>C, p.Ala221Pro (NM_130803.3, NM_130804.3, NM_000244.4 and 3 more transcripts); c.549+97G>C (NM_001370263.2, NM_001370262.2); c.646G>C, p.Ala216Pro (NM_001370251.2, NM_001370260.2, NM_001370261.2 and 1 more transcripts); short protein forms A216P, A221P.
Identifiers: ClinVar variation 647862 (VCV000647862.8), dbSNP rs1592650523, ClinGen allele CA381185313.

ClinVar aggregate classification (germline): Uncertain significance (1 of 4 stars; one submission).

Conditions:
Multiple endocrine neoplasia, type 1 (MEN1). Also called: Endocrine adenomatosis multiple; MEN 1; MEA I; MEN I; WERMER SYNDROME. Identifiers: Orphanet 652, MedGen C0025267, MeSH D018761, MONDO:0007540, OMIM 131100.

Submission:

Labcorp Genetics (formerly Invitae), Labcorp
Classification: Uncertain significance for Multiple endocrine neoplasia, type 1. Last evaluated: 2020-03-10. Review status: criteria provided, single submitter. Criteria: Invitae Variant Classification Sherloc (09022015). Collection method: clinical testing. Allele origin: germline.
Comment: This sequence change replaces alanine with proline at codon 216 of the MEN1 protein (p.Ala216Pro). The alanine residue is moderately conserved and there is a small physicochemical difference between alanine and proline. In summary, the available evidence is currently insufficient to determine the role of this variant in disease. Therefore, it has been classified as a Variant of Uncertain Significance. Algorithms developed to predict the effect of missense changes on protein structure and function (SIFT, PolyPhen-2, Align-GVGD) all suggest that this variant is likely to be tolerated, but these predictions have not been confirmed by published functional studies and their clinical significance is uncertain. This variant has not been reported in the literature in individuals with MEN1-related disease. This variant is not present in population databases (ExAC no frequency).